The following is an entry in ClinVar:

NM_000179.3(MSH6):c.3343A>T (p.Ile1115Leu)

Gene: MSH6 (mutS homolog 6; plus strand). Cytogenetic location: 2p16.3.
Variant type: single nucleotide variant.
Coding change: c.3343A>T on transcript NM_000179.3 (MANE Select); coding-DNA position 3343, A replaced by T.
Protein change: p.Ile1115Leu; replaces isoleucine 1115 with leucine.
Molecular consequence: missense variant.
Genome position (GRCh38, 1-based): chr2:47,803,590, A>T. VCF-style: chr2-47803590-A-T. GRCh37 (hg19) VCF-style: chr2-48030729-A-T.
Other names: c.2953A>T, p.Ile985Leu (NM_001281492.2); c.2437A>T, p.Ile813Leu (NM_001281493.2, NM_001281494.2, NM_001406811.1 and 6 more transcripts); c.3439A>T, p.Ile1147Leu (NM_001406795.1, NM_001406802.1); c.3343A>T, p.Ile1115Leu (NM_001406796.1, NM_001406800.1, NM_001406808.1 and 1 more transcripts); c.3046A>T, p.Ile1016Leu (NM_001406797.1, NM_001406801.1, NM_001406805.1 and 10 more transcripts); c.2818A>T, p.Ile940Leu (NM_001406799.1, NM_001406806.1, NM_001406807.1); c.2479A>T, p.Ile827Leu (NM_001406803.1); c.3265A>T, p.Ile1089Leu (NM_001406804.1); and 6 more; short protein forms I1089L, I64L, I985L, I1115L, I1016L, I1059L, I1117L, I1147L.
Identifiers: ClinVar variation 1730438 (VCV001730438.6), dbSNP rs1572735738, ClinGen allele CA346758742.

ClinVar aggregate classification (germline): Uncertain significance. Review status: criteria provided, multiple submitters, no conflicts (2 of 4 stars). 3 submissions from 3 submitters: Uncertain significance (3). Last evaluated 2025-06-01.

Conditions:
Hereditary nonpolyposis colorectal neoplasms. Identifiers: MedGen C0009405, MeSH D003123.
Hereditary cancer-predisposing syndrome. Also called: Neoplastic Syndromes, Hereditary; Tumor predisposition; Hereditary Cancer Syndrome; Hereditary neoplastic syndrome. Identifiers: Orphanet 140162, MedGen C0027672, MeSH D009386, MONDO:0015356.

Allele frequency attached by ClinVar (database versions not stated): TOPMed below 0.00001.

Submissions (3):

Labcorp Genetics (formerly Invitae), Labcorp
Classification: Uncertain significance for Hereditary nonpolyposis colorectal neoplasms. Last evaluated: 2025-06-01. Review status: criteria provided, single submitter. Criteria: Invitae Variant Classification Sherloc (09022015). Collection method: clinical testing. Allele origin: germline.
Comment: This sequence change replaces isoleucine, which is neutral and non-polar, with leucine, which is neutral and non-polar, at codon 1115 of the MSH6 protein (p.Ile1115Leu). This variant is not present in population databases (gnomAD no frequency). This variant has not been reported in the literature in individuals affected with MSH6-related conditions. ClinVar contains an entry for this variant (Variation ID: 1730438). Invitae Evidence Modeling of protein sequence and biophysical properties (such as structural, functional, and spatial information, amino acid conservation, physicochemical variation, residue mobility, and thermodynamic stability) indicates that this missense variant is not expected to disrupt MSH6 protein function with a negative predictive value of 95%. In summary, the available evidence is currently insufficient to determine the role of this variant in disease. Therefore, it has been classified as a Variant of Uncertain Significance.

Ambry Genetics
Classification: Uncertain significance for Hereditary cancer-predisposing syndrome. Last evaluated: 2025-05-15. Review status: criteria provided, single submitter. Criteria: Ambry Variant Classification Scheme 2023. Collection method: clinical testing. Allele origin: germline.
Comment: The p.I1115L variant (also known as c.3343A>T), located in coding exon 5 of the MSH6 gene, results from an A to T substitution at nucleotide position 3343. The isoleucine at codon 1115 is replaced by leucine, an amino acid with highly similar properties. This amino acid position is highly conserved in available vertebrate species. In addition, the in silico prediction for this alteration is inconclusive. Based on the available evidence, the clinical significance of this variant remains unclear.

Color Diagnostics, LLC DBA Color Health
Classification: Uncertain significance for Hereditary cancer-predisposing syndrome. Last evaluated: 2024-06-12. Review status: criteria provided, single submitter. Criteria: ACMG Guidelines, 2015. Collection method: clinical testing. Allele origin: germline.
Comment: This missense variant replaces isoleucine with leucine at codon 1115 of the MSH6 protein. Computational prediction suggests that this variant may not impact protein structure and function (internally defined REVEL score threshold <= 0.5, PMID: 27666373). To our knowledge, functional studies have not been reported for this variant. This variant has not been reported in individuals affected with MSH6-related disorders in the literature. This variant has not been identified in the general population by the Genome Aggregation Database (gnomAD). The available evidence is insufficient to determine the role of this variant in disease conclusively. Therefore, this variant is classified as a Variant of Uncertain Significance.